The following is an entry in ClinVar:

NM_002662.5(PLD1):c.2430-1G>A

Gene: PLD1 (phospholipase D1; minus strand). Cytogenetic location: 3q26.31.
Variant type: single nucleotide variant.
Coding change: c.2430-1G>A on transcript NM_002662.5 (MANE Select); the canonical splice acceptor site of the intron before coding-DNA position 2430, G replaced by A.
Molecular consequence: splice acceptor variant.
Genome position (GRCh38, 1-based): chr3:171,645,024, C>T on the plus strand (G>A on the coding strand, the complement: PLD1 is on the minus strand). VCF-style: chr3-171645024-C-T. GRCh37 (hg19) VCF-style: chr3-171362814-C-T.
Other names: c.2316-1G>A (NM_001130081.3).
Identifiers: ClinVar variation 932457 (VCV000932457.43), dbSNP rs760657350, ClinGen allele CA2704237.

ClinVar aggregate classification (germline): Pathogenic/Likely pathogenic. Review status: criteria provided, multiple submitters, no conflicts (2 of 4 stars). 2 submissions from 2 submitters: Pathogenic (1); Likely pathogenic (1). Last evaluated 2024-10-17.

Allele frequency attached by ClinVar (database versions not stated): ExAC 0.00001; gnomAD 0.00001; gnomAD exomes 0.00001 and 0.00002; TOPMed 0.00001.
gnomAD v4.1: 23 of 1,592,558 alleles (0.0014%); highest among the groups gnomAD compares: Non-Finnish European, 0.0019%; no homozygotes.

Submissions (3):

Labcorp Genetics (formerly Invitae), Labcorp
Classification: Likely pathogenic. Last evaluated: 2024-10-17. Review status: criteria provided, single submitter. Criteria: Invitae Variant Classification Sherloc (09022015). Collection method: clinical testing. Allele origin: germline.
Comment: This sequence change affects an acceptor splice site in intron 21 of the PLD1 gene. It is expected to disrupt RNA splicing. Variants that disrupt the donor or acceptor splice site typically lead to a loss of protein function (PMID: 16199547), and loss-of-function variants in PLD1 are known to be pathogenic (PMID: 27799408, 33645542). This variant is present in population databases (rs760657350, gnomAD 0.003%). Disruption of this splice site has been observed in individual(s) with tricuspid atresia (PMID: 34958143). ClinVar contains an entry for this variant (Variation ID: 932457). Algorithms developed to predict the effect of sequence changes on RNA splicing suggest that this variant may disrupt the consensus splice site. In summary, the currently available evidence indicates that the variant is pathogenic, but additional data are needed to prove that conclusively. Therefore, this variant has been classified as Likely Pathogenic.

CeGaT Center for Human Genetics Tuebingen
Classification: Pathogenic. Last evaluated: 2020-07-01. Review status: criteria provided, single submitter. Criteria: CeGaT Center For Human Genetics Tuebingen Variant Classification Criteria Version 2. Collection method: clinical testing. Allele origin: germline. Affected: yes. Observed: 3 variant alleles.

Dr. Peter K. Rogan Lab, Western University
No classification provided (evidence only). Condition: Malignant tumor of esophagus. Review status: no classification provided. Collection method: in vitro. Allele origin: not applicable. Functional consequence: retained intron. Not counted in ClinVar's aggregate classification.

Literature cited by the submitters: PubMed 16199547 (cited by Labcorp Genetics (formerly Invitae), Labcorp); PubMed 27799408 (cited by Labcorp Genetics (formerly Invitae), Labcorp); PubMed 33645542 (cited by Labcorp Genetics (formerly Invitae), Labcorp); PubMed 34958143 (cited by Labcorp Genetics (formerly Invitae), Labcorp).